The following is an entry in ClinVar:

NM_001136157.2(OTUD5):c.*57C>T

Gene: OTUD5 (OTU deubiquitinase 5; minus strand). Cytogenetic location: Xp11.23.
Variant type: single nucleotide variant.
Coding change: c.*57C>T on transcript NM_001136157.2 (MANE Select); 57 bases downstream of the stop codon, C replaced by T.
Molecular consequence: 3 prime UTR variant. On other transcripts: intron variant (1).
Genome position (GRCh38, 1-based): chrX:48,923,117, G>A on the plus strand (C>T on the coding strand, the complement: OTUD5 is on the minus strand). VCF-style: chrX-48923117-G-A. GRCh37 (hg19) VCF-style: chrX-48780394-G-A.
Other names: c.*57C>T (NM_001136159.2, NM_017602.4); c.*37+20C>T (NM_001136158.2).
Identifiers: ClinVar variation 1676458 (VCV001676458.3), dbSNP rs2063606990, ClinGen allele CA1132953862.
Genomic context (GRCh38, chrX:48,923,117, plus strand): 5'-GAGGGGAGAGCAGAAAGAACAGAAGGAGGCAAGAGGGAAGAAGCCAAAGAAGGTGAGGTG[G>A]CACCGGAGAGCAGGAGTACTGGGGTTGGGAGATGGTGTCCAATCCCTGGGTCTCCATCAA-3'

ClinVar aggregate classification (germline): Uncertain significance (1 of 4 stars; one submission).

gnomAD v4.1: 4 of 1,204,878 alleles (0.00033%); highest among the groups gnomAD compares: Admixed American, 0.0066%; no homozygotes.

Submission:

Greenwood Genetic Center Diagnostic Laboratories, Greenwood Genetic Center
Classification: Uncertain significance. Last evaluated: 2022-01-07. Review status: criteria provided, single submitter. Criteria: ACMG Guidelines, 2015. Collection method: clinical testing. Allele origin: germline. Affected: yes.
Comment: PM2